The following is an entry in ClinVar:

NM_001197104.2(KMT2A):c.10457_10458del (p.Phe3486fs)

Gene: KMT2A (lysine methyltransferase 2A; plus strand). Cytogenetic location: 11q23.3.
Variant type: Deletion.
Coding change: c.10457_10458del on transcript NM_001197104.2 (MANE Select); coding-DNA positions 10457 to 10458, 2 bases deleted (TT; older notation c.10457_10458delTT).
Protein change: p.Phe3486fs; shifts the reading frame from phenylalanine 3486.
Molecular consequence: frameshift variant.
Genome position (GRCh38, 1-based): chr11:118,506,349-118,506,350, TT deleted; deleting any 2 consecutive bases within chr11:118,506,348-118,506,350 gives the same sequence; the c. name uses the placement nearest the transcript's 3' end. VCF-style (leftmost placement, unchanged base first): chr11-118506347-CTT-C. GRCh37 (hg19) VCF-style: chr11-118377062-CTT-C.
Other names: c.10547_10548del, p.Phe3516fs (NM_001412597.1); c.10448_10449del, p.Phe3483fs (NM_005933.4); short protein forms F3483fs, F3486fs, F3516fs.
Identifiers: ClinVar variation 4880200 (VCV004880200.1).

ClinVar aggregate classification (germline): Pathogenic (1 of 4 stars; one submission).

Conditions:
Wiedemann-Steiner syndrome (WDSTS). Also called: Growth deficiency and mental retardation with facial dysmorphism. Identifiers: Orphanet 319182, MedGen C1854630, MONDO:0011518, OMIM 605130.

Submission:

Wales Gene Park, Division Of Cancer and Genetics, Cardiff University
Classification: Pathogenic for Wiedemann-Steiner syndrome. Last evaluated: 2026-04-28. Review status: criteria provided, single submitter. Criteria: ACGS Best Practice Guidelines for Variant Classification in Rare Disease 2024. Collection method: research. Allele origin: de novo. Inheritance: Autosomal dominant inheritance. Affected: yes. Study: 100,000 Genomes Project (Wales).
Comment: De novo KMT2A frameshift variant detected by trio genome sequencing. Not present in gnomAD (v4.1.1). Evidence codes: PVS1, PS2, PM2.